The following is an entry in ClinVar:

ClinVar aggregate classification (germline): no classifications from unflagged records (0 of 4 stars; one submission).

Conditions:
Congenital disorder of glycosylation, type IIq. Also called: CDG IIq. Identifiers: Orphanet 435934, MedGen C4479353, MONDO:0054559, OMIM 617395.

Submission:

OMIM
Classification: Pathogenic for CONGENITAL DISORDER OF GLYCOSYLATION, TYPE IIq (1 patient). Last evaluated: 2017-03-26. Review status: flagged submission. Collection method: literature only. Allele origin: germline.
ClinVar note: Notes: Flagging candidate with reason of insufficient supporting evidence. This gene has been classified as having a limited gene-disease relationship by a ClinGen Expert Panel
ClinVar note: Reason: P/LP classification for a variant in a gene with insufficient evidence for a gene-disease relationship

Literature cited by the submitters: PubMed 24784932.

NM_007357.3(COG2):c.1900T>G (p.Trp634Gly)

Gene: COG2 (component of oligomeric golgi complex 2; plus strand). Cytogenetic location: 1q42.2.
Variant type: single nucleotide variant.
Coding change: c.1900T>G on transcript NM_007357.3 (MANE Select); coding-DNA position 1900, T replaced by G.
Protein change: p.Trp634Gly; replaces tryptophan 634 with glycine.
Molecular consequence: missense variant.
Genome position (GRCh38, 1-based): chr1:230,690,119, T>G. VCF-style: chr1-230690119-T-G. GRCh37 (hg19) VCF-style: chr1-230825865-T-G.
Other names: c.1897T>G, p.Trp633Gly (NM_001145036.2); short protein forms W634G, W633G.
Identifiers: ClinVar variation 417771 (VCV000417771.1), dbSNP rs1085307117, ClinGen allele CA345198944.